The following is an entry in ClinVar:

NM_000393.5(COL5A2):c.428G>A (p.Arg143Lys)

Gene: COL5A2 (collagen type V alpha 2 chain; minus strand). Cytogenetic location: 2q32.2.
Variant type: single nucleotide variant.
Coding change: c.428G>A on transcript NM_000393.5 (MANE Select); coding-DNA position 428, G replaced by A.
Protein change: p.Arg143Lys; replaces arginine 143 with lysine.
Molecular consequence: missense variant.
Genome position (GRCh38, 1-based): chr2:189,097,305, C>T on the plus strand (G>A on the coding strand, the complement: COL5A2 is on the minus strand). VCF-style: chr2-189097305-C-T. GRCh37 (hg19) VCF-style: chr2-189962031-C-T.
Other names: short protein forms R143K.
Identifiers: ClinVar variation 4087952 (VCV004087952.1).
Genomic context (GRCh38, chr2:189,097,305, plus strand): 5'-GTTCCCCACAAGGAGCCCTCCTGTCAACTTACAGGTCTTCCTTTTGGCCCTCGCTCTCCT[C>T]TTGGTCCCTGTGATCCTGGAGGTCCCTAAAACAGAAAATGATGATTATGCATGCAAAAAT-3'
Protein context (NP_000384.2, residues 133-153): PAGPPGSQGP[Arg143Lys]GERGPKGRPG

ClinVar aggregate classification (germline): Uncertain significance (1 of 4 stars; one submission).

gnomAD v4.1: 1 of 1,614,120 alleles (0.000062%); no homozygotes.

Submission:

GeneDx
Classification: Uncertain significance. Last evaluated: 2025-03-25. Review status: criteria provided, single submitter. Criteria: GeneDx Variant Classification Process June 2021. Collection method: clinical testing. Allele origin: germline. Affected: yes.
Comment: Not observed at significant frequency in large population cohorts (gnomAD); In silico analysis indicates that this missense variant does not alter protein structure/function; Has not been previously published as pathogenic or benign to our knowledge